The following is an entry in ClinVar:

ClinVar aggregate classification (germline): Uncertain significance. Review status: criteria provided, multiple submitters, no conflicts (2 of 4 stars). 2 submissions from 2 submitters: Uncertain significance (2). Last evaluated 2024-01-01.

Conditions:
Inborn genetic diseases. Identifiers: MedGen C0950123, MeSH D030342.

Allele frequency attached by ClinVar (database versions not stated): gnomAD 0.00001; TOPMed 0.00001; ExAC 0.00005.
gnomAD v4.1: 3 of 1,562,384 alleles (0.00019%); highest among the groups gnomAD compares: African/African-American, 0.0041%; no homozygotes.

Submissions (2):

Labcorp Genetics (formerly Invitae), Labcorp
Classification: Uncertain significance. Last evaluated: 2024-01-01. Review status: criteria provided, single submitter. Criteria: Invitae Variant Classification Sherloc (09022015). Collection method: clinical testing. Allele origin: germline.
Comment: This sequence change replaces glycine, which is neutral and non-polar, with alanine, which is neutral and non-polar, at codon 1218 of the MYO7A protein (p.Gly1218Ala). This variant is not present in population databases (gnomAD no frequency). This variant has not been reported in the literature in individuals affected with MYO7A-related conditions. ClinVar contains an entry for this variant (Variation ID: 2244769). Advanced modeling of protein sequence and biophysical properties (such as structural, functional, and spatial information, amino acid conservation, physicochemical variation, residue mobility, and thermodynamic stability) performed at Invitae indicates that this missense variant is not expected to disrupt MYO7A protein function with a negative predictive value of 95%. In summary, the available evidence is currently insufficient to determine the role of this variant in disease. Therefore, it has been classified as a Variant of Uncertain Significance.

Ambry Genetics
Classification: Uncertain significance for Inborn genetic diseases. Last evaluated: 2021-08-13. Review status: criteria provided, single submitter. Criteria: Ambry Variant Classification Scheme 2023. Collection method: clinical testing. Allele origin: germline.

NM_000260.4(MYO7A):c.3653G>C (p.Gly1218Ala)

Gene: MYO7A (myosin VIIA; plus strand). Cytogenetic location: 11q13.5.
Variant type: single nucleotide variant.
Coding change: c.3653G>C on transcript NM_000260.4 (MANE Select); coding-DNA position 3653, G replaced by C.
Protein change: p.Gly1218Ala; replaces glycine 1218 with alanine.
Molecular consequence: missense variant.
Genome position (GRCh38, 1-based): chr11:77,190,042, G>C. VCF-style: chr11-77190042-G-C. GRCh37 (hg19) VCF-style: chr11-76901087-G-C.
Other names: c.3653G>C, p.Gly1218Ala (NM_001127180.2); c.3620G>C, p.Gly1207Ala (NM_001369365.1); short protein forms G1207A, G1218A.
Identifiers: ClinVar variation 2244769 (VCV002244769.5), dbSNP rs752542303, ClinGen allele CA6198158.
Genomic context (GRCh38, chr11:77,190,042, plus strand): 5'-AGCCCCAGGGGCCGCCTCAGCGGGTACTCTGGCTGCAGTACCTGCGGAACTTCATCCACG[G>C]GGGCCCGCCCGGCTACGCCCCGTACTGTGAGGAGCGCCTGAGAAGGACCTTTGTCAATGG-3'
Protein context (NP_000251.3, residues 1208-1228): FVKYLRNFIH[Gly1218Ala]GPPGYAPYCE